The following is an entry in ClinVar:

ClinVar aggregate classification (germline): Pathogenic (1 of 4 stars; one submission).

Conditions:
Breast-ovarian cancer, familial, susceptibility to, 2 (BROVCA2). Also called: BRCA2 Hereditary Breast and Ovarian Cancer. Identifiers: Orphanet 145, MedGen C2675520, MONDO:0012933, OMIM 612555. Disease mechanism: loss of function.

Submission:

Myriad Genetics, Inc.
Classification: Pathogenic for Breast-ovarian cancer, familial, susceptibility to, 2. Last evaluated: 2025-03-11. Review status: criteria provided, single submitter. Criteria: Myriad Autosomal Dominant, Autosomal Recessive and X-Linked Classification Criteria (2023). Collection method: clinical testing. Allele origin: unknown.
Comment: This variant is considered pathogenic. This variant creates a frameshift predicted to result in premature protein truncation.

NM_000059.4(BRCA2):c.8546dup (p.Glu2850fs)

Gene: BRCA2 (BRCA2 DNA repair associated; plus strand). Cytogenetic location: 13q13.1.
Variant type: Duplication.
Coding change: c.8546dup on transcript NM_000059.4 (MANE Select); coding-DNA position 8546, one base duplicated (A; older notation c.8546dupA).
Protein change: p.Glu2850fs; shifts the reading frame from glutamic acid 2850.
Molecular consequence: frameshift variant. On other transcripts: non-coding transcript variant (1).
Genome position (GRCh38, 1-based): chr13:32,371,014, A duplicated; the last of 4 consecutive A bases (chr13:32,371,011-32,371,014); duplicating any one gives the same sequence. VCF-style (leftmost placement, unchanged base first): chr13-32371010-G-GA. GRCh37 (hg19) VCF-style: chr13-32945147-G-GA.
Other names: c.8450dup, p.Glu2818fs (NM_001406719.1); c.8546dup, p.Glu2850fs (NM_001406720.1, NM_001432077.1); c.3614dup, p.Glu1206fs (NM_001406721.1); c.2129dup, p.Glu711fs (NM_001406722.1); short protein forms E1206fs, E2818fs, E2850fs, E711fs.
Identifiers: ClinVar variation 3904740 (VCV003904740.1).
Genomic context (GRCh38, chr13:32,371,010, plus strand): 5'-TTACAGTGGATGGAGAAGACATCATCTGGATTATACATATTTCGCAATGAAAGAGAGGAA[G>GA]AAAAGGAAGCAGCAAAATATGTGGAGGCCCAACAAAAGAGACTAGAAGCCTTATTCACTA-3'